The following is an entry in ClinVar:

ClinVar aggregate classification (germline): Uncertain significance. Review status: criteria provided, multiple submitters, no conflicts (2 of 4 stars). 2 submissions from 2 submitters: Uncertain significance (2). Last evaluated 2025-02-07.

Conditions:
Autosomal recessive severe congenital neutropenia due to G6PC3 deficiency. Also called: NEUTROPENIA, SEVERE CONGENITAL, 4, AUTOSOMAL RECESSIVE; G6PC3 Deficiency. Identifiers: Orphanet 331176, MedGen C2751630, MONDO:0012930, OMIM 612541.
Inborn genetic diseases. Identifiers: MedGen C0950123, MeSH D030342.

Allele frequency attached by ClinVar (database versions not stated): gnomAD exomes 0.00001; TOPMed 0.00002; gnomAD 0.00001; ExAC 0.00002; ESP Exome Variant Server 0.00008.
gnomAD v4.1: 21 of 1,614,040 alleles (0.0013%); highest among the groups gnomAD compares: East Asian, 0.0067%; no homozygotes.

Submissions (2):

Ambry Genetics
Classification: Uncertain significance for Inborn genetic diseases. Last evaluated: 2025-02-07. Review status: criteria provided, single submitter. Criteria: Ambry Variant Classification Scheme 2023. Collection method: clinical testing. Allele origin: germline.

Labcorp Genetics (formerly Invitae), Labcorp
Classification: Uncertain significance for Autosomal recessive severe congenital neutropenia due to G6PC3 deficiency. Last evaluated: 2022-07-01. Review status: criteria provided, single submitter. Criteria: Invitae Variant Classification Sherloc (09022015). Collection method: clinical testing. Allele origin: germline.
Comment: This sequence change replaces alanine, which is neutral and non-polar, with valine, which is neutral and non-polar, at codon 156 of the G6PC3 protein (p.Ala156Val). This variant is present in population databases (rs374402992, gnomAD 0.003%). This variant has not been reported in the literature in individuals affected with G6PC3-related conditions. Algorithms developed to predict the effect of missense changes on protein structure and function are either unavailable or do not agree on the potential impact of this missense change (SIFT: "Tolerated"; PolyPhen-2: "Probably Damaging"; Align-GVGD: "Class C0"). In summary, the available evidence is currently insufficient to determine the role of this variant in disease. Therefore, it has been classified as a Variant of Uncertain Significance.

NM_138387.4(G6PC3):c.467C>T (p.Ala156Val)

Gene: G6PC3 (glucose-6-phosphatase catalytic subunit 3; plus strand). Cytogenetic location: 17q21.31.
Variant type: single nucleotide variant.
Coding change: c.467C>T on transcript NM_138387.4 (MANE Select); coding-DNA position 467, C replaced by T.
Protein change: p.Ala156Val; replaces alanine 156 with valine.
Molecular consequence: missense variant. On other transcripts: intron variant (1).
Genome position (GRCh38, 1-based): chr17:44,075,019, C>T. VCF-style: chr17-44075019-C-T. GRCh37 (hg19) VCF-style: chr17-42152387-C-T.
Other names: c.122C>T, p.Ala41Val (NM_001384165.1, NM_001384166.1, NM_001384167.1 and 1 more transcripts); c.416+249C>T (NM_001319945.2); short protein forms A41V, A156V.
Identifiers: ClinVar variation 2159123 (VCV002159123.3), dbSNP rs374402992, ClinGen allele CA8596043.